The following is an entry in ClinVar:

ClinVar aggregate classification (germline): Uncertain significance. Review status: criteria provided, multiple submitters, no conflicts (2 of 4 stars). 4 submissions from 4 submitters: Uncertain significance (4). Last evaluated 2024-10-16.

Conditions:
Inborn genetic diseases. Identifiers: MedGen C0950123, MeSH D030342.

Allele frequency attached by ClinVar (database versions not stated): gnomAD 0.00001 and 0.00003; gnomAD exomes 0.00005; TOPMed 0.00005; ExAC 0.00006; 1000 Genomes Project 0.00060; 1000 Genomes Project 30x 0.00062.
gnomAD v4.1: 32 of 1,614,096 alleles (0.002%); highest among the groups gnomAD compares: Admixed American, 0.02%; no homozygotes.

Submissions (4):

Labcorp Genetics (formerly Invitae), Labcorp
Classification: Uncertain significance. Last evaluated: 2024-10-16. Review status: criteria provided, single submitter. Criteria: Invitae Variant Classification Sherloc (09022015). Collection method: clinical testing. Allele origin: germline.
Comment: This sequence change replaces arginine, which is basic and polar, with glutamine, which is neutral and polar, at codon 443 of the RBBP8 protein (p.Arg443Gln). This variant is present in population databases (rs570967464, gnomAD 0.02%). This variant has not been reported in the literature in individuals affected with RBBP8-related conditions. ClinVar contains an entry for this variant (Variation ID: 1358859). Invitae Evidence Modeling of protein sequence and biophysical properties (such as structural, functional, and spatial information, amino acid conservation, physicochemical variation, residue mobility, and thermodynamic stability) indicates that this missense variant is not expected to disrupt RBBP8 protein function with a negative predictive value of 80%. In summary, the available evidence is currently insufficient to determine the role of this variant in disease. Therefore, it has been classified as a Variant of Uncertain Significance.

Blueprint Genetics
Classification: Uncertain significance. Last evaluated: 2023-06-06. Review status: criteria provided, single submitter. Criteria: ACMG Guidelines, 2015. Collection method: clinical testing. Allele origin: germline.

Ambry Genetics
Classification: Uncertain significance for Inborn genetic diseases. Last evaluated: 2022-01-27. Review status: criteria provided, single submitter. Criteria: Ambry Variant Classification Scheme 2023. Collection method: clinical testing. Allele origin: germline.

Breakthrough Genomics
Classification: Uncertain significance. Review status: criteria provided, single submitter. Criteria: ACMG Guidelines, 2015. Collection method: not provided. Allele origin: germline. Inheritance: Autosomal recessive inheritance. Affected: yes.

NM_002894.3(RBBP8):c.1328G>A (p.Arg443Gln)

Gene: RBBP8 (RB binding protein 8, endonuclease; plus strand). Cytogenetic location: 18q11.2.
Variant type: single nucleotide variant.
Coding change: c.1328G>A on transcript NM_002894.3 (MANE Select); coding-DNA position 1328, G replaced by A.
Protein change: p.Arg443Gln; replaces arginine 443 with glutamine.
Molecular consequence: missense variant.
Genome position (GRCh38, 1-based): chr18:22,993,155, G>A. VCF-style: chr18-22993155-G-A. GRCh37 (hg19) VCF-style: chr18-20573118-G-A.
Other names: c.1328G>A, p.Arg443Gln (NM_203291.2, NM_203292.2); c.1328G>A (NM_002894.2); short protein forms R443Q.
Identifiers: ClinVar variation 1358859 (VCV001358859.7), dbSNP rs570967464, ClinGen allele CA8910050.